The following is an entry in ClinVar:

ClinVar aggregate classification (germline): Likely benign (1 of 4 stars; one submission).

Submission:

Women's Health and Genetics/Laboratory Corporation of America, LabCorp
Classification: Likely benign. Last evaluated: 2026-01-30. Review status: criteria provided, single submitter. Criteria: LabCorp Variant Classification Summary - May 2015. Collection method: clinical testing. Allele origin: germline.
Comment: Variant summary: C1S c.214-17delT alters a nucleotide located at a position not widely known to affect splicing. Consensus agreement among computation tools predict no significant impact on normal splicing. However, these predictions have yet to be confirmed by functional studies. The frequency data for this variant in gnomAD is considered unreliable, as metrics indicate poor data quality at this position. To our knowledge, no occurrence of c.214-17delT in individuals affected with C1S-related conditions and no experimental evidence demonstrating its impact on protein function have been reported. No submitters have cited clinical-significance assessments for this variant to ClinVar. Based on the evidence outlined above, the variant was classified as likely benign.

NM_001734.5(C1S):c.214-17del

Gene: C1S (complement C1s; plus strand). Cytogenetic location: 12p13.31.
Variant type: Deletion.
Coding change: c.214-17del on transcript NM_001734.5 (MANE Select); 17 bases into the intron before coding-DNA position 214, one base deleted (T; older notation c.214-17delT).
Molecular consequence: intron variant.
Genome position (GRCh38, 1-based): chr12:7,062,873, T deleted; the last of 10 consecutive T bases (chr12:7,062,864-7,062,873); deleting any one gives the same sequence. VCF-style (leftmost placement, unchanged base first): chr12-7062863-AT-A. GRCh37 (hg19) VCF-style: chr12-7170167-AT-A.
Other names: c.214-17del (NM_201442.4); c.-288-17del (NM_001346850.2); c.214-17delT (NM_001734.5).
Identifiers: ClinVar variation 4689756 (VCV004689756.1).
Genomic context (GRCh38, chr12:7,062,863, plus strand): 5'-AATGTTCTATTCTCTCTGTCCCTTCTTTTAACTCCATACCAAAATATTACCCTTTCCTAG[AT>A]TTTTTTTTTGTGACTCTTCTCTTAGATAATCTCAGGAGACACTGAAGAAGGGAGGCTCTG-3'